The following is an entry in ClinVar:

ClinVar aggregate classification (germline): Likely benign. Review status: criteria provided, multiple submitters, no conflicts (2 of 4 stars). 3 submissions from 3 submitters: Likely benign (2). 1 of the submissions does not count toward it. Last evaluated 2026-02-03.

Conditions:
ARMC9-related disorder. Also called: ARMC9-related condition.

Allele frequency attached by ClinVar (database versions not stated): gnomAD exomes 0.00037; ExAC 0.00047; 1000 Genomes Project 30x 0.00141; 1000 Genomes Project 0.00160; gnomAD 0.00165 and 0.00181; TOPMed 0.00189; ESP Exome Variant Server 0.00208.
gnomAD v4.1: 440 of 1,525,092 alleles (0.029%); highest among the groups gnomAD compares: African/African-American, 0.56%; 2 homozygotes.

Submissions (3):

Labcorp Genetics (formerly Invitae), Labcorp
Classification: Likely benign. Last evaluated: 2026-02-03. Review status: criteria provided, single submitter. Criteria: Invitae Variant Classification Sherloc (09022015). Collection method: clinical testing. Allele origin: germline.

Blueprint Genetics
Classification: Likely benign. Last evaluated: 2024-07-23. Review status: criteria provided, single submitter. Criteria: ACMG Guidelines, 2015. Collection method: clinical testing. Allele origin: germline.

PreventionGenetics, part of Exact Sciences
Classification: Likely benign for ARMC9-related condition. Last evaluated: 2024-01-02. Review status: no assertion criteria provided. Collection method: clinical testing. Allele origin: germline. Not counted in ClinVar's aggregate classification.
Comment: This variant is classified as likely benign based on ACMG/AMP sequence variant interpretation guidelines (Richards et al. 2015 PMID: 25741868, with internal and published modifications).

NM_001352754.2(ARMC9):c.508T>G (p.Ser170Ala)

Genes: ARMC9 (armadillo repeat containing 9; plus strand), LOC129935819 (ATAC-STARR-seq lymphoblastoid active region 17278; plus strand). Cytogenetic location: 2q37.1.
Variant type: single nucleotide variant.
Coding change: c.508T>G on transcript NM_001352754.2 (MANE Select); coding-DNA position 508, T replaced by G.
Protein change: p.Ser170Ala; replaces serine 170 with alanine.
Molecular consequence: missense variant. On other transcripts: non-coding transcript variant (1).
Genome position (GRCh38, 1-based): chr2:231,222,731, T>G. VCF-style: chr2-231222731-T-G. GRCh37 (hg19) VCF-style: chr2-232087444-T-G.
Other names: c.508T>G, p.Ser170Ala (NM_001271466.4, NM_001291656.2, NM_001352755.2 and 5 more transcripts); c.508T>G (NM_025139.5); short protein forms S170A.
Identifiers: ClinVar variation 1103669 (VCV001103669.12), dbSNP rs138398575, ClinGen allele CA2159958.